The following is an entry in ClinVar:

ClinVar aggregate classification (germline): Uncertain significance (1 of 4 stars; one submission).

gnomAD v4.1: 1 of 1,614,108 alleles (0.000062%); highest among the groups gnomAD compares: South Asian, 0.0011%; no homozygotes.

Submission:

Labcorp Genetics (formerly Invitae), Labcorp
Classification: Uncertain significance. Last evaluated: 2024-03-29. Review status: criteria provided, single submitter. Criteria: Invitae Variant Classification Sherloc (09022015). Collection method: clinical testing. Allele origin: germline.
Comment: This sequence change replaces serine, which is neutral and polar, with tyrosine, which is neutral and polar, at codon 15 of the JAK2 protein (p.Ser15Tyr). This variant is not present in population databases (gnomAD no frequency). This variant has not been reported in the literature in individuals affected with JAK2-related conditions. An algorithm developed to predict the effect of missense changes on protein structure and function (PolyPhen-2) suggests that this variant is likely to be tolerated. In summary, the available evidence is currently insufficient to determine the role of this variant in disease. Therefore, it has been classified as a Variant of Uncertain Significance.

NM_004972.4(JAK2):c.44C>A (p.Ser15Tyr)

Genes: INSL6 (insulin like 6; minus strand), JAK2 (Janus kinase 2; plus strand). Cytogenetic location: 9p24.1.
Variant type: single nucleotide variant.
Coding change: c.44C>A on transcript NM_004972.4 (MANE Select); coding-DNA position 44, C replaced by A.
Protein change: p.Ser15Tyr; replaces serine 15 with tyrosine.
Molecular consequence: missense variant. On other transcripts: 5 prime UTR variant (2), non-coding transcript variant (2).
Genome position (GRCh38, 1-based): chr9:5,022,031, C>A. VCF-style: chr9-5022031-C-A. GRCh37 (hg19) VCF-style: chr9-5022031-C-A.
Other names: c.44C>A, p.Ser15Tyr (NM_001322194.2, NM_001322195.2, NM_001322196.2); c.-1077C>A (NM_001322198.2, NM_001322199.2); short protein forms S15Y.
Identifiers: ClinVar variation 3648154 (VCV003648154.2).